The following is an entry in ClinVar:

ClinVar aggregate classification (germline): Uncertain significance (1 of 4 stars; one submission).

Conditions:
Galactosylceramide beta-galactosidase deficiency. Also called: Leukodystrophy, Globoid Cell; GALACTOCEREBROSIDASE DEFICIENCY; GALC DEFICIENCY; GLOBOID CELL LEUKOENCEPHALOPATHY; Krabbe Disease. Identifiers: Orphanet 487, MedGen C0023521, MONDO:0009499, OMIM 245200.

Allele frequency attached by ClinVar (database versions not stated): TOPMed below 0.00001; gnomAD 0.00001; gnomAD exomes 0.00001; ExAC 0.00002.
gnomAD v4.1: 9 of 1,613,130 alleles (0.00056%); highest among the groups gnomAD compares: African/African-American, 0.0027%; no homozygotes.

Submission:

Labcorp Genetics (formerly Invitae), Labcorp
Classification: Uncertain significance for Galactosylceramide beta-galactosidase deficiency. Last evaluated: 2022-06-15. Review status: criteria provided, single submitter. Criteria: Invitae Variant Classification Sherloc (09022015). Collection method: clinical testing. Allele origin: germline.
Comment: This sequence change replaces methionine, which is neutral and non-polar, with valine, which is neutral and non-polar, at codon 387 of the GALC protein (p.Met387Val). This variant is present in population databases (rs780665279, gnomAD 0.007%). This variant has not been reported in the literature in individuals affected with GALC-related conditions. Algorithms developed to predict the effect of missense changes on protein structure and function are either unavailable or do not agree on the potential impact of this missense change (SIFT: "Deleterious"; PolyPhen-2: "Possibly Damaging"; Align-GVGD: "Class C15"). Algorithms developed to predict the effect of sequence changes on RNA splicing suggest that this variant may create or strengthen a splice site. In summary, the available evidence is currently insufficient to determine the role of this variant in disease. Therefore, it has been classified as a Variant of Uncertain Significance.

NM_000153.4(GALC):c.1159A>G (p.Met387Val)

Gene: GALC (galactosylceramidase; minus strand). Cytogenetic location: 14q31.3.
Variant type: single nucleotide variant.
Coding change: c.1159A>G on transcript NM_000153.4 (MANE Select); coding-DNA position 1159, A replaced by G.
Protein change: p.Met387Val; replaces methionine 387 with valine.
Molecular consequence: missense variant.
Genome position (GRCh38, 1-based): chr14:87,963,386, T>C on the plus strand (A>G on the coding strand, the complement: GALC is on the minus strand). VCF-style: chr14-87963386-T-C. GRCh37 (hg19) VCF-style: chr14-88429730-T-C.
Other names: c.1090A>G, p.Met364Val (NM_001201401.2); c.1081A>G, p.Met361Val (NM_001201402.2); short protein forms M361V, M364V, M387V.
Identifiers: ClinVar variation 2193212 (VCV002193212.1), dbSNP rs780665279, ClinGen allele CA7297139.